The following is an entry in ClinVar:

ClinVar aggregate classification (germline): Likely pathogenic. Review status: criteria provided, multiple submitters, no conflicts (2 of 4 stars). 2 submissions from 2 submitters: Likely pathogenic (2). Last evaluated 2025-04-19.

Submissions (2):

Labcorp Genetics (formerly Invitae), Labcorp
Classification: Likely pathogenic. Last evaluated: 2025-04-19. Review status: criteria provided, single submitter. Criteria: Invitae Variant Classification Sherloc (09022015). Collection method: clinical testing. Allele origin: germline.
Comment: This sequence change affects an acceptor splice site in intron 5 of the SPTB gene. It is expected to disrupt RNA splicing. Variants that disrupt the donor or acceptor splice site typically lead to a loss of protein function (PMID: 16199547), and loss-of-function variants in SPTB are known to be pathogenic (PMID: 1391962, 1498324, 8844207, 26830532, 27292444). This variant is not present in population databases (gnomAD no frequency). This variant has not been reported in the literature in individuals affected with SPTB-related conditions. ClinVar contains an entry for this variant (Variation ID: 1325139). Algorithms developed to predict the effect of sequence changes on RNA splicing suggest that this variant may disrupt the consensus splice site. In summary, the currently available evidence indicates that the variant is pathogenic, but additional data are needed to prove that conclusively. Therefore, this variant has been classified as Likely Pathogenic.

Revvity Omics, Revvity
Classification: Likely pathogenic. Last evaluated: 2021-10-25. Review status: criteria provided, single submitter. Criteria: ACMG Guidelines, 2015. Collection method: clinical testing. Allele origin: germline.

Literature cited by the submitters: PubMed 16199547 (cited by Labcorp Genetics (formerly Invitae), Labcorp); PubMed 1391962 (cited by Labcorp Genetics (formerly Invitae), Labcorp); PubMed 1498324 (cited by Labcorp Genetics (formerly Invitae), Labcorp); PubMed 8844207 (cited by Labcorp Genetics (formerly Invitae), Labcorp); PubMed 26830532 (cited by Labcorp Genetics (formerly Invitae), Labcorp); PubMed 27292444 (cited by Labcorp Genetics (formerly Invitae), Labcorp).

NM_001355436.2(SPTB):c.648-2A>G

Gene: SPTB (spectrin beta, erythrocytic; minus strand). Cytogenetic location: 14q23.3.
Variant type: single nucleotide variant.
Coding change: c.648-2A>G on transcript NM_001355436.2 (MANE Select); the canonical splice acceptor site of the intron before coding-DNA position 648, A replaced by G.
Molecular consequence: splice acceptor variant.
Genome position (GRCh38, 1-based): chr14:64,801,402, T>C on the plus strand (A>G on the coding strand, the complement: SPTB is on the minus strand). VCF-style: chr14-64801402-T-C. GRCh37 (hg19) VCF-style: chr14-65268120-T-C.
Other names: c.648-2A>G (NM_001024858.4, NM_001355437.2).
Identifiers: ClinVar variation 1325139 (VCV001325139.5), dbSNP rs2139628826, ClinGen allele CA390031091.